The following is an entry in ClinVar:

NM_003118.4(SPARC):c.142G>T (p.Val48Phe)

Gene: SPARC (secreted protein acidic and cysteine rich; minus strand). Cytogenetic location: 5q33.1.
Variant type: single nucleotide variant.
Coding change: c.142G>T on transcript NM_003118.4 (MANE Select); coding-DNA position 142, G replaced by T.
Protein change: p.Val48Phe; replaces valine 48 with phenylalanine.
Molecular consequence: missense variant.
Genome position (GRCh38, 1-based): chr5:151,673,195, C>A on the plus strand (G>T on the coding strand, the complement: SPARC is on the minus strand). VCF-style: chr5-151673195-C-A. GRCh37 (hg19) VCF-style: chr5-151052756-C-A.
Other names: c.139G>T, p.Val47Phe (NM_001309443.2); c.142G>T, p.Val48Phe (NM_001309444.2); short protein forms V48F, V47F.
Identifiers: ClinVar variation 1449907 (VCV001449907.6), dbSNP rs371588378, ClinGen allele CA3522796.
Genomic context (GRCh38, chr5:151,673,195, plus strand): 5'-CCACCACCTCCTCTTCGGTTTCCTCTGCACCATCATCAAATTCTCCTACTTCCACCTGGA[C>A]AGGATTAGCTCCCACAGATACCTGGAATTGAGGGAGAAGAATGGGTGAAATGGCCCCACT-3'
Protein context (NP_003109.1, residues 38-58): VTEVSVGANP[Val48Phe]QVEVGEFDDG

ClinVar aggregate classification (germline): Uncertain significance (1 of 4 stars; one submission).

gnomAD v4.1: 4 of 1,613,440 alleles (0.00025%); highest among the groups gnomAD compares: Non-Finnish European, 0.00034%; no homozygotes.

Submission:

Labcorp Genetics (formerly Invitae), Labcorp
Classification: Uncertain significance. Last evaluated: 2021-11-30. Review status: criteria provided, single submitter. Criteria: Invitae Variant Classification Sherloc (09022015). Collection method: clinical testing. Allele origin: germline.
Comment: This variant is present in population databases (rs371588378, gnomAD 0.0009%). In summary, the available evidence is currently insufficient to determine the role of this variant in disease. Therefore, it has been classified as a Variant of Uncertain Significance. Algorithms developed to predict the effect of missense changes on protein structure and function are either unavailable or do not agree on the potential impact of this missense change (SIFT: "Tolerated"; PolyPhen-2: "Probably Damaging"; Align-GVGD: "Class C0"). This variant has not been reported in the literature in individuals affected with SPARC-related conditions. This sequence change replaces valine, which is neutral and non-polar, with phenylalanine, which is neutral and non-polar, at codon 48 of the SPARC protein (p.Val48Phe).